The following is an entry in ClinVar:

ClinVar aggregate classification (germline): Uncertain significance (1 of 4 stars; one submission).

Conditions:
Cardiovascular phenotype. Identifiers: MedGen CN230736.
Hereditary cancer-predisposing syndrome. Also called: Tumor predisposition; Hereditary Cancer Syndrome; Neoplastic Syndromes, Hereditary; Hereditary neoplastic syndrome. Identifiers: Orphanet 140162, MedGen C0027672, MeSH D009386, MONDO:0015356.

Submission:

Ambry Genetics
Classification: Uncertain significance for Cardiovascular phenotype; Hereditary cancer-predisposing syndrome. Last evaluated: 2022-03-03. Review status: criteria provided, single submitter. Criteria: Ambry Variant Classification Scheme 2023. Collection method: clinical testing. Allele origin: germline.
Comment: The p.D94N variant (also known as c.280G>A), located in coding exon 3 of the LZTR1 gene, results from a G to A substitution at nucleotide position 280. The aspartic acid at codon 94 is replaced by asparagine, an amino acid with highly similar properties. This amino acid position is conserved. In addition, this alteration is predicted to be tolerated by in silico analysis. Since supporting evidence is limited at this time, the clinical significance of this alteration remains unclear.

NM_006767.4(LZTR1):c.280G>A (p.Asp94Asn)

Gene: LZTR1 (leucine zipper like post translational regulator 1; plus strand). Cytogenetic location: 22q11.21.
Variant type: single nucleotide variant.
Coding change: c.280G>A on transcript NM_006767.4 (MANE Select); coding-DNA position 280, G replaced by A.
Protein change: p.Asp94Asn; replaces aspartic acid 94 with asparagine.
Molecular consequence: missense variant.
Genome position (GRCh38, 1-based): chr22:20,985,857, G>A. VCF-style: chr22-20985857-G-A. GRCh37 (hg19) VCF-style: chr22-21340146-G-A.
Other names: short protein forms D94N.
Identifiers: ClinVar variation 1796317 (VCV001796317.2), dbSNP rs770038802, ClinGen allele CA410778820.